The following is an entry in ClinVar:

ClinVar aggregate classification (germline): Pathogenic (1 of 4 stars; one submission).

Conditions:
Cystic fibrosis (CF). Also called: MUCOVISCIDOSIS. Identifiers: Orphanet 586, MedGen C0010674, MONDO:0009061, OMIM 219700. Disease mechanism: loss of function.

Submission:

Labcorp Genetics (formerly Invitae), Labcorp
Classification: Pathogenic for Cystic fibrosis. Last evaluated: 2019-09-25. Review status: criteria provided, single submitter. Criteria: Invitae Variant Classification Sherloc (09022015). Collection method: clinical testing. Allele origin: germline.
Comment: This variant is an out-of-frame deletion of the genomic region encompassing exons 16-20 of the CFTR gene. This is expected to create a premature translational stop signal and result in an absent or disrupted protein product. Loss-of-function variants in CFTR are known to be pathogenic (PMID: 1695717, 7691345, 9725922). For these reasons, this variant has been classified as Pathogenic.

NC_000007.14:g.(?_117602729)_(117611828_?)del

Gene: CFTR (CF transmembrane conductance regulator; plus strand). Cytogenetic location: 7q31.2.
Variant type: Deletion.
Identifiers: ClinVar variation 832119 (VCV000832119.1).